The following is an entry in ClinVar:

ClinVar aggregate classification (germline): Uncertain significance (1 of 4 stars; one submission).

Conditions:
Autosomal dominant hypocalcemia 1 (HYPOC1). Also called: HYPOCALCEMIA, FAMILIAL. Identifiers: MedGen C3715128, MONDO:0011013, OMIM 601198.
Familial hypocalciuric hypercalcemia (FHH). Also called: Familial benign hypercalcemia. Identifiers: Orphanet 405, MedGen C1809471, MONDO:0018458.

gnomAD v4.1: 1 of 1,614,210 alleles (0.000062%); highest among the groups gnomAD compares: Non-Finnish European, 0.000085%; no homozygotes.

Submission:

Labcorp Genetics (formerly Invitae), Labcorp
Classification: Uncertain significance for Familial hypocalciuric hypercalcemia; Autosomal dominant hypocalcemia 1. Last evaluated: 2022-10-19. Review status: criteria provided, single submitter. Criteria: Invitae Variant Classification Sherloc (09022015). Collection method: clinical testing. Allele origin: germline.
Comment: In summary, the available evidence is currently insufficient to determine the role of this variant in disease. Therefore, it has been classified as a Variant of Uncertain Significance. Algorithms developed to predict the effect of missense changes on protein structure and function are either unavailable or do not agree on the potential impact of this missense change (SIFT: "Deleterious"; PolyPhen-2: "Benign"; Align-GVGD: "Class C0"). ClinVar contains an entry for this variant (Variation ID: 960205). This variant has not been reported in the literature in individuals affected with CASR-related conditions. This variant is not present in population databases (gnomAD no frequency). This sequence change replaces threonine, which is neutral and polar, with methionine, which is neutral and non-polar, at codon 1021 of the CASR protein (p.Thr1021Met).

NM_000388.4(CASR):c.3062C>T (p.Thr1021Met)

Gene: CASR (calcium sensing receptor; plus strand). Cytogenetic location: 3q21.1.
Variant type: single nucleotide variant.
Coding change: c.3062C>T on transcript NM_000388.4 (MANE Select); coding-DNA position 3062, C replaced by T.
Protein change: p.Thr1021Met; replaces threonine 1021 with methionine.
Molecular consequence: missense variant.
Genome position (GRCh38, 1-based): chr3:122,285,016, C>T. VCF-style: chr3-122285016-C-T. GRCh37 (hg19) VCF-style: chr3-122003863-C-T.
Other names: c.3092C>T, p.Thr1031Met (NM_001178065.2); short protein forms T1021M, T1031M.
Identifiers: ClinVar variation 960205 (VCV000960205.10), dbSNP rs759009566, ClinGen allele CA354161357.